The following is an entry in ClinVar:

ClinVar aggregate classification (germline): Likely benign (1 of 4 stars; one submission).

Conditions:
Mucopolysaccharidosis, MPS-III-C (MPS3C). Also called: mucopolysaccharidosis type 3C; MUCOPOLYSACCHARIDOSIS, TYPE IIIC; SANFILIPPO SYNDROME C; MPS III C; Mucopolysaccharidosis type IIIC (Sanfilippo C); MPS IIIC (Sanfilippo Syndrome Type C). Identifiers: Orphanet 581, Orphanet 79271, MedGen C0086649, MONDO:0009657, OMIM 252930.

Allele frequency attached by ClinVar (database versions not stated): gnomAD exomes 0.00023; gnomAD 0.00024 and 0.00042; 1000 Genomes Project 30x 0.00453; 1000 Genomes Project 0.00459; TOPMed 0.00036.
gnomAD v4.1: 219 of 841,128 alleles (0.026%); highest among the groups gnomAD compares: East Asian, 0.6%; 1 homozygote.

Submission:

Illumina Laboratory Services, Illumina
Classification: Likely benign for Mucopolysaccharidosis, MPS-III-C. Last evaluated: 2018-01-12. Review status: criteria provided, single submitter. Criteria: ICSL Variant Classification Criteria 13 December 2019. Collection method: clinical testing. Allele origin: germline.
Comment: This variant was observed in the ICSL laboratory as part of a predisposition screen in an ostensibly healthy population. It had not been previously curated by ICSL or reported in the Human Gene Mutation Database (HGMD: prior to June 1st, 2018), and was therefore a candidate for classification through an automated scoring system. Utilizing variant allele frequency, disease prevalence and penetrance estimates, and inheritance mode, an automated score was calculated to assess if this variant is too frequent to cause the disease. Based on the score and internal cut-off values, a variant classified as likely benign is not then subjected to further curation. The score for this variant resulted in a classification of likely benign for this disease.

NM_152419.3(HGSNAT):c.*106G>A

Gene: HGSNAT (heparan-alpha-glucosaminide N-acetyltransferase; plus strand). Cytogenetic location: 8p11.21.
Variant type: single nucleotide variant.
Coding change: c.*106G>A on transcript NM_152419.3 (MANE Select); 106 bases downstream of the stop codon, G replaced by A.
Molecular consequence: 3 prime UTR variant.
Genome position (GRCh38, 1-based): chr8:43,199,675, G>A. VCF-style: chr8-43199675-G-A. GRCh37 (hg19) VCF-style: chr8-43054818-G-A.
Other names: c.*106G>A (NM_001363227.2, NM_001363228.2, NM_001363229.2).
Identifiers: ClinVar variation 911721 (VCV000911721.4), dbSNP rs186881132, ClinGen allele CA15556492.